The following is an entry in ClinVar:

ClinVar aggregate classification (germline): Pathogenic (1 of 4 stars; one submission).

gnomAD v4.1: 2 of 1,613,254 alleles (0.00012%); highest among the groups gnomAD compares: Admixed American, 0.0017%; no homozygotes.

Submission:

Labcorp Genetics (formerly Invitae), Labcorp
Classification: Pathogenic. Last evaluated: 2024-07-01. Review status: criteria provided, single submitter. Criteria: Invitae Variant Classification Sherloc (09022015). Collection method: clinical testing. Allele origin: germline.
Comment: This sequence change creates a premature translational stop signal (p.Gln112*) in the C1QA gene. While this is not anticipated to result in nonsense mediated decay, it is expected to disrupt the last 134 amino acid(s) of the C1QA protein. This variant is present in population databases (no rsID available, gnomAD 0.005%). This variant has not been reported in the literature in individuals affected with C1QA-related conditions. This variant disrupts a region of the C1QA protein in which other variant(s) (p.Gln208*) have been determined to be pathogenic (PMID: 7594474, 8840296, 9225968, 21654842, 26563161, 29739689, 30008451). This suggests that this is a clinically significant region of the protein, and that variants that disrupt it are likely to be disease-causing. For these reasons, this variant has been classified as Pathogenic.

Literature cited by the submitters: PubMed 7594474; PubMed 8840296; PubMed 9225968; PubMed 21654842; PubMed 26563161; PubMed 29739689; PubMed 30008451.

NM_015991.4(C1QA):c.334C>T (p.Gln112Ter)

Gene: C1QA (complement C1q A chain; plus strand). Cytogenetic location: 1p36.12.
Variant type: single nucleotide variant.
Coding change: c.334C>T on transcript NM_015991.4 (MANE Select); coding-DNA position 334, C replaced by T.
Protein change: p.Gln112Ter; replaces glutamine 112 with a stop codon.
Molecular consequence: nonsense.
Genome position (GRCh38, 1-based): chr1:22,639,003, C>T. VCF-style: chr1-22639003-C-T. GRCh37 (hg19) VCF-style: chr1-22965496-C-T.
Other names: c.334C>T, p.Gln112Ter (NM_001347465.2, NM_001347466.2); short protein forms Q112*.
Identifiers: ClinVar variation 3714817 (VCV003714817.2).